The following is an entry in ClinVar:

ClinVar aggregate classification (germline): Uncertain significance (1 of 4 stars; one submission).

Conditions:
Hypertrophic cardiomyopathy. Also called: HYPERTROPHIC MYOCARDIOPATHY. Identifiers: Orphanet 217569, MedGen C0007194, MeSH D002312, MONDO:0005045, HP:0001639.

gnomAD v4.1: 2 of 1,567,050 alleles (0.00013%); highest among the groups gnomAD compares: East Asian, 0.0023%; no homozygotes.

Submission:

Labcorp Genetics (formerly Invitae), Labcorp
Classification: Uncertain significance for Hypertrophic cardiomyopathy. Last evaluated: 2025-02-11. Review status: criteria provided, single submitter. Criteria: Invitae Variant Classification Sherloc (09022015). Collection method: clinical testing. Allele origin: germline.
Comment: This sequence change replaces methionine, which is neutral and non-polar, with lysine, which is basic and polar, at codon 543 of the JPH2 protein (p.Met543Lys). This variant is not present in population databases (gnomAD no frequency). This variant has not been reported in the literature in individuals affected with JPH2-related conditions. An algorithm developed to predict the effect of missense changes on protein structure and function (PolyPhen-2) suggests that this variant is likely to be tolerated. In summary, the available evidence is currently insufficient to determine the role of this variant in disease. Therefore, it has been classified as a Variant of Uncertain Significance.

NM_020433.5(JPH2):c.1628T>A (p.Met543Lys)

Gene: JPH2 (junctophilin 2; minus strand). Cytogenetic location: 20q13.12.
Variant type: single nucleotide variant.
Coding change: c.1628T>A on transcript NM_020433.5 (MANE Select); coding-DNA position 1628, T replaced by A.
Protein change: p.Met543Lys; replaces methionine 543 with lysine.
Molecular consequence: missense variant.
Genome position (GRCh38, 1-based): chr20:44,116,047, A>T on the plus strand (T>A on the coding strand, the complement: JPH2 is on the minus strand). VCF-style: chr20-44116047-A-T. GRCh37 (hg19) VCF-style: chr20-42744687-A-T.
Other names: short protein forms M543K.
Identifiers: ClinVar variation 4765394 (VCV004765394.1).